The following is an entry in ClinVar:

ClinVar aggregate classification (germline): Pathogenic (1 of 4 stars; one submission).

Conditions:
Autosomal recessive nonsyndromic hearing loss 22. Identifiers: Orphanet 90636, MedGen C1846896, MONDO:0011762, OMIM 607039.

Submission:

Women's Health and Genetics/Laboratory Corporation of America, LabCorp
Classification: Pathogenic for Autosomal recessive nonsyndromic hearing loss 22. Last evaluated: 2023-10-02. Review status: criteria provided, single submitter. Criteria: LabCorp Variant Classification Summary - May 2015. Collection method: clinical testing. Allele origin: germline.
Comment: Variant summary: The variant identified by MLPA or other technology involves the deletion of exons 1-29 (i.e. the full coding sequence) in the OTOA gene. A presumed nomenclature of c.(?_-270)_(*190_?)del has been designated for the purposes of this classification. Since exact breakpoints of this deletion are not known, it might extend beyond the assayed region of the gene, including other flanking genes. The variant allele was found at a frequency of 0.00088 in 21694 control chromosomes (gnomAD, structuralvariants dataset). c.(?_-270)_(*190_?)del has been reported in the literature in multiple homozygous individuals affected with Autosomal Recessive Nonsyndromic Hearing Loss (examples: Shearer_2014 and Sugiyama_2019). These data indicate that the variant is very likely to be associated with disease. The following publications have been ascertained in the context of this evaluation (PMID: 24963352, 31527525). One submitter has cited clinical-significance assessments for this variant to ClinVar after 2014 and has classified the variant as pathogenic. Based on the evidence outlined above, the variant was classified as pathogenic.

Literature cited by the submitters: PubMed 24963352; PubMed 31527525.

NC_000016.9:g.(?_21675288)_(21772051_?)del

Gene: OTOA (otoancorin). Cytogenetic location: 16p12.2.
Variant type: Deletion.
Identifiers: ClinVar variation 2637815 (VCV002637815.1).